The following is an entry in ClinVar:

ClinVar aggregate classification (germline): Pathogenic (1 of 4 stars; one submission).

Conditions:
Nemaline myopathy 2 (NEM2). Also called: Nemaline myopathy 2, autosomal recessive. Identifiers: MedGen C1850569, MONDO:0009725, OMIM 256030.

Submission:

Labcorp Genetics (formerly Invitae), Labcorp
Classification: Pathogenic for Nemaline myopathy 2. Last evaluated: 2022-08-16. Review status: criteria provided, single submitter. Criteria: Invitae Variant Classification Sherloc (09022015). Collection method: clinical testing. Allele origin: germline.
Comment: For these reasons, this variant has been classified as Pathogenic. ClinVar contains an entry for this variant (Variation ID: 1406062). This variant has not been reported in the literature in individuals affected with NEB-related conditions. This variant is not present in population databases (gnomAD no frequency). This sequence change creates a premature translational stop signal (p.Trp1449*) in the NEB gene. It is expected to result in an absent or disrupted protein product. Loss-of-function variants in NEB are known to be pathogenic (PMID: 25205138).

Literature cited by the submitters: PubMed 25205138.

NM_001164508.2(NEB):c.4347G>A (p.Trp1449Ter)

Gene: NEB (nebulin; minus strand). Cytogenetic location: 2q23.3.
Variant type: single nucleotide variant.
Coding change: c.4347G>A on transcript NM_001164508.2 (MANE Select); coding-DNA position 4347, G replaced by A.
Protein change: p.Trp1449Ter; replaces tryptophan 1449 with a stop codon.
Molecular consequence: nonsense.
Genome position (GRCh38, 1-based): chr2:151,671,182, C>T on the plus strand (G>A on the coding strand, the complement: NEB is on the minus strand). VCF-style: chr2-151671182-C-T. GRCh37 (hg19) VCF-style: chr2-152527696-C-T.
Other names: c.4347G>A, p.Trp1449Ter (NM_001164507.2, NM_001271208.2, NM_004543.5); short protein forms W1449*.
Identifiers: ClinVar variation 1406062 (VCV001406062.6), dbSNP rs2154190685, ClinGen allele CA348815902.